The following is an entry in ClinVar:

ClinVar aggregate classification (germline): Pathogenic/Likely pathogenic. Review status: criteria provided, multiple submitters, no conflicts (2 of 4 stars). 4 submissions from 4 submitters: Pathogenic (2); Likely pathogenic (2). Last evaluated 2024-05-03.

Conditions:
Muscular dystrophy, limb-girdle, autosomal recessive 23. Identifiers: Orphanet 565837, MedGen C4748327, MONDO:0029136, OMIM 618138.
Merosin deficient congenital muscular dystrophy (MDC1A). Also called: Congenital merosin-deficient muscular dystrophy 1A; Congenital Muscular Dystrophy Type 1A (MDC1A). Identifiers: Orphanet 258, MedGen C1263858, MONDO:0011925, OMIM 607855.
LAMA2-related muscular dystrophy (LAMA2-RD). Also called: Laminin alpha 2-related dystrophy. Identifiers: MedGen C5679788, MONDO:0100228.

Submissions (4):

Fulgent Genetics
Classification: Likely pathogenic for Merosin deficient congenital muscular dystrophy; Muscular dystrophy, limb-girdle, autosomal recessive 23. Last evaluated: 2024-05-03. Review status: criteria provided, single submitter. Criteria: ACMG Guidelines, 2015. Collection method: clinical testing. Allele origin: germline.

Revvity Omics, Revvity
Classification: Likely pathogenic. Last evaluated: 2023-06-22. Review status: criteria provided, single submitter. Criteria: ACMG Guidelines, 2015. Collection method: clinical testing. Allele origin: germline.

Labcorp Genetics (formerly Invitae), Labcorp
Classification: Pathogenic for LAMA2-related muscular dystrophy. Last evaluated: 2022-05-21. Review status: criteria provided, single submitter. Criteria: Invitae Variant Classification Sherloc (09022015). Collection method: clinical testing. Allele origin: germline.
Comment: For these reasons, this variant has been classified as Pathogenic. This premature translational stop signal has been observed in individual(s) with clinical features of congenital muscular dystrophy (PMID: 30055037). This variant is present in population databases (no rsID available, gnomAD 0.007%). This sequence change creates a premature translational stop signal (p.Phe2206Serfs*12) in the LAMA2 gene. It is expected to result in an absent or disrupted protein product. Loss-of-function variants in LAMA2 are known to be pathogenic (PMID: 18700894, 32904964).

Mayo Clinic Laboratories, Mayo Clinic
Classification: Pathogenic. Last evaluated: 2021-03-10. Review status: criteria provided, single submitter. Criteria: ACMG Guidelines, 2015. Collection method: clinical testing. Allele origin: germline.
Comment: PVS1, PM2, PS4_supporting

Literature cited by the submitters: PubMed 30055037 (cited by Labcorp Genetics (formerly Invitae), Labcorp and Mayo Clinic Laboratories, Mayo Clinic); PubMed 18700894 (cited by Labcorp Genetics (formerly Invitae), Labcorp); PubMed 32904964 (cited by Labcorp Genetics (formerly Invitae), Labcorp); PubMed 22426012 (cited by Mayo Clinic Laboratories, Mayo Clinic).

NM_000426.4(LAMA2):c.6617del (p.Phe2206fs)

Gene: LAMA2 (laminin subunit alpha 2; plus strand). Cytogenetic location: 6q22.33.
Variant type: Deletion.
Coding change: c.6617del on transcript NM_000426.4 (MANE Select); coding-DNA position 6617, one base deleted (T; older notation c.6617delT).
Protein change: p.Phe2206fs; shifts the reading frame from phenylalanine 2206.
Molecular consequence: frameshift variant.
Genome position (GRCh38, 1-based): chr6:129,454,198, T deleted; the last of 2 consecutive T bases (chr6:129,454,197-129,454,198); deleting either gives the same sequence. VCF-style (leftmost placement, unchanged base first): chr6-129454196-CT-C. GRCh37 (hg19) VCF-style: chr6-129775341-CT-C.
Other names: c.6617del, p.Phe2206fs (NM_001079823.2); c.6617delT (NM_000426.3); c.6617del (NM_000426.3); short protein forms F2206fs.
Identifiers: ClinVar variation 1686645 (VCV001686645.12), dbSNP rs867012156, ClinGen allele CA146884271.